The following is an entry in ClinVar:

NM_001129.5(AEBP1):c.1783C>T (p.Arg595Ter)

Gene: AEBP1 (AE binding protein 1; plus strand). Cytogenetic location: 7p13.
Variant type: single nucleotide variant.
Coding change: c.1783C>T on transcript NM_001129.5 (MANE Select); coding-DNA position 1783, C replaced by T.
Protein change: p.Arg595Ter; replaces arginine 595 with a stop codon.
Molecular consequence: nonsense.
Genome position (GRCh38, 1-based): chr7:44,111,573, C>T. VCF-style: chr7-44111573-C-T. GRCh37 (hg19) VCF-style: chr7-44151172-C-T.
Other names: short protein forms R595*.
Identifiers: ClinVar variation 1676869 (VCV001676869.6), dbSNP rs1168034376, ClinGen allele CA367366624.

ClinVar aggregate classification (germline): Pathogenic. Review status: criteria provided, multiple submitters, no conflicts (2 of 4 stars). 2 submissions from 2 submitters: Pathogenic (2). Last evaluated 2026-01-27.

Allele frequency attached by ClinVar (database versions not stated): gnomAD exomes below 0.00001 and 0.00001.
gnomAD v4.1: 10 of 1,612,962 alleles (0.00062%); highest among the groups gnomAD compares: East Asian, 0.0045%; no homozygotes.

Submissions (2):

Labcorp Genetics (formerly Invitae), Labcorp
Classification: Pathogenic. Last evaluated: 2026-01-27. Review status: criteria provided, single submitter. Criteria: Invitae Variant Classification Sherloc (09022015). Collection method: clinical testing. Allele origin: germline.
Comment: This sequence change creates a premature translational stop signal (p.Arg595*) in the AEBP1 gene. It is expected to result in an absent or disrupted protein product. Loss-of-function variants in AEBP1 are known to be pathogenic (PMID: 29606302). This variant is present in population databases (no rsID available, gnomAD 0.0009%). This variant has not been reported in the literature in individuals affected with AEBP1-related conditions. ClinVar contains an entry for this variant (Variation ID: 1676869). For these reasons, this variant has been classified as Pathogenic.

GeneDx
Classification: Pathogenic. Last evaluated: 2024-07-24. Review status: criteria provided, single submitter. Criteria: GeneDx Variant Classification Process June 2021. Collection method: clinical testing. Allele origin: germline. Affected: yes.
Comment: Has not been previously published as pathogenic or benign to our knowledge; Not observed at significant frequency in large population cohorts (gnomAD); Nonsense variant predicted to result in protein truncation or nonsense mediated decay in a gene for which loss-of-function is a known mechanism of disease

Literature cited by the submitters: PubMed 29606302 (cited by Labcorp Genetics (formerly Invitae), Labcorp).